The following is an entry in ClinVar:

ClinVar aggregate classification (germline): Pathogenic (1 of 4 stars; one submission).

Submission:

CeGaT Center for Human Genetics Tuebingen
Classification: Pathogenic. Last evaluated: 2023-07-01. Review status: criteria provided, single submitter. Criteria: CeGaT Center For Human Genetics Tuebingen Variant Classification Criteria Version 2. Collection method: clinical testing. Allele origin: germline. Affected: yes. Observed: 1 variant allele.
Comment: MRE11: PVS1, PM2

NM_005591.4(MRE11):c.1994+2T>A

Gene: MRE11 (MRE11 double strand break repair nuclease; minus strand). Cytogenetic location: 11q21.
Variant type: single nucleotide variant.
Coding change: c.1994+2T>A on transcript NM_005591.4 (MANE Select); the canonical splice donor site of the intron after coding-DNA position 1994, T replaced by A.
Molecular consequence: splice donor variant.
Genome position (GRCh38, 1-based): chr11:94,435,830, A>T on the plus strand (T>A on the coding strand, the complement: MRE11 is on the minus strand). VCF-style: chr11-94435830-A-T. GRCh37 (hg19) VCF-style: chr11-94168996-A-T.
Other names: c.1991+2T>A (NM_001330347.2); c.1910+2T>A (NM_005590.4).
Identifiers: ClinVar variation 2578668 (VCV002578668.25), dbSNP rs2134830912, ClinGen allele CA382374008.